The following continues an entry in ClinVar:

NM_000051.4(ATM):c.902G>A (p.Gly301Asp)

Gene: ATM. ClinVar aggregate classification (germline): Conflicting classifications of pathogenicity. Uncertain significance (19); Likely benign (1).

Submissions 9 to 29 of 29:

Quest Diagnostics Nichols Institute San Juan Capistrano
Classification: Uncertain significance. Last evaluated: 2024-11-14. Review status: criteria provided, single submitter. Criteria: Quest Diagnostics criteria. Collection method: clinical testing. Allele origin: unknown.
Comment: The ATM c.902G>A (p.Gly301Asp) variant has been reported in the published literature in individuals with breast cancer (PMID: 20305132 (2010), 29522266 (2018)) and prostate cancer (PMID: 28259476 (2017), 33436325 (2021), 35467778 (2022)). In one individual with breast cancer and a family history of cancer, a second variant in ATM was identified (PMID: 34326862 (2021)). This variant has also been observed in 22 breast cancer cases and 8 reportedly healthy individuals in several breast cancer association studies, (PMID: 16832357 (2006), 19781682 (2009), 28779002 (2017), 33471991 (2021), see also LOVD). Assessment of experimental evidence regarding the effect of this variant on RNA splicing is inconclusive (PMID: 35716007 (2022)). The variant generated both full-length and premature truncating transcripts (PMID: 35716007 (2022)). The frequency of this variant in the general population, 0.00012 (15/128684 chromosomes (Genome Aggregation Database)), is uninformative in the assessment of its pathogenicity. Analysis of this variant using bioinformatics tools for the prediction of the effect of amino acid changes on protein structure and function yielded predictions that this variant is damaging. Based on the available information, we are unable to determine the clinical significance of this variant.

Blueprint Genetics
Classification: Uncertain significance. Last evaluated: 2024-10-17. Review status: criteria provided, single submitter. Criteria: ACMG Guidelines, 2015. Collection method: clinical testing. Allele origin: germline.

Baylor Genetics
Classification: Uncertain significance for Familial cancer of breast. Last evaluated: 2024-03-27. Review status: criteria provided, single submitter. Criteria: ACMG Guidelines, 2015. Collection method: clinical testing. Allele origin: unknown.

GeneDx
Classification: Uncertain significance. Last evaluated: 2024-01-22. Review status: criteria provided, single submitter. Criteria: GeneDx Variant Classification Process June 2021. Collection method: clinical testing. Allele origin: germline. Affected: yes.
Comment: Observed to result in multiple transcipts, including full-length, deletion exon 7, and deletion exons 7-8, with deletion exon 7 also detected from wild-type allele (PMID: 35716007); Observed in individuals with breast or prostate cancer (PMID: 16832357, 19781682, 20305132, 28259476, 28779002, 29522266, 33471991, 33436325); In silico analysis supports that this missense variant has a deleterious effect on protein structure/function; Not observed at significant frequency in large population cohorts (gnomAD); This variant is associated with the following publications: (PMID: 20346647, 19781682, 28779002, 29522266, 28652578, 33436325, 20305132, 16832357, 28259476, 33471991, 35716007)

CeGaT Center for Human Genetics Tuebingen
Classification: Uncertain significance. Last evaluated: 2022-12-01. Review status: criteria provided, single submitter. Criteria: CeGaT Center For Human Genetics Tuebingen Variant Classification Criteria Version 2. Collection method: clinical testing. Allele origin: germline. Affected: yes. Observed: 4 variant alleles.

MGZ Medical Genetics Center
Classification: Uncertain significance for Familial cancer of breast. Last evaluated: 2022-07-18. Review status: criteria provided, single submitter. Criteria: ACMG Guidelines, 2015. Collection method: clinical testing. Allele origin: germline. Affected: yes. Observed: 1 variant allele.
Comment: ACMG criteria applied: PS4_MOD, PM2_SUP, PP3

Fulgent Genetics
Classification: Uncertain significance for Familial cancer of breast; Ataxia-telangiectasia syndrome. Last evaluated: 2022-04-19. Review status: criteria provided, single submitter. Criteria: ACMG Guidelines, 2015. Collection method: clinical testing. Allele origin: unknown.

Sema4
Classification: Uncertain significance for Hereditary cancer-predisposing syndrome. Last evaluated: 2022-01-13. Review status: criteria provided, single submitter. Criteria: Sema4 Curation Guidelines. Collection method: curation. Allele origin: germline.
Comment: The ATM c.902G>A (p.G301D) variant has been reported in heterozygosity in individuals with breast or prostate cancer (PMID: 19781682, 29522266, 28779002, 16832357, 20305132, 28259476, 33436325). This variant has also been reported in a large breast cancer study in 17/60466 breast cancer cases, and in 8/53461 controls (PMID: 33471991). It was observed in 15/281798 chromosomes of the Non-Finnish European subpopulation, with no homozygotes, in the large and broad cohorts of the Genome Aggregation Database (PMID: 32461654). The variant has been reported in ClinVar (Variation ID 188359). Functional studies have not been performed, and in silico predictions of the variant's effect on protein function or splicing are inconclusive. The evidence is insufficient to meet ACMG/AMP criteria for classifying the variant as benign or pathogenic. Thus, the clinical significance of this variant is currently uncertain.

Institute for Clinical Genetics, University Hospital TU Dresden, University Hospital TU Dresden
Classification: Uncertain significance. Last evaluated: 2021-11-03. Review status: criteria provided, single submitter. Criteria: ACMG Guidelines, 2015. Collection method: clinical testing. Allele origin: germline.

Genetic Services Laboratory, University of Chicago
Classification: Uncertain significance. Last evaluated: 2020-04-22. Review status: criteria provided, single submitter. Criteria: ACMG Guidelines, 2015. Collection method: clinical testing. Allele origin: germline. Affected: no.
Comment: DNA sequence analysis of the ATM gene demonstrated a sequence change, c.902G>A, in exon 8 that results in an amino acid change, p.Gly301Asp. This sequence change has been described in the gnomAD database with a frequency of 0.012% in the European sub-population (dbSNP rs202208861). The p.Gly301Asp change has been reported in an individual with breast cancer (PMID: 19781682). The p.Gly301Asp change affects a highly conserved amino acid residue located in a domain of the ATM protein that is not known to be functional. The p.Gly301Asp substitution appears to be deleterious using several in-silico pathogenicity prediction tools (SIFT, PolyPhen2, Align GVGD, REVEL). Due to the lack of functional studies, the clinical significance of the p.Gly301Asp change remains unknown at this time.

Illumina Laboratory Services, Illumina
Classification: Uncertain significance for Ataxia-telangiectasia syndrome. Last evaluated: 2017-04-28. Review status: criteria provided, single submitter. Criteria: ICSL Variant Classification Criteria 13 December 2019. Collection method: clinical testing. Allele origin: germline.
Comment: This variant was observed as part of a predisposition screen in an ostensibly healthy population. A literature search was performed for the gene, cDNA change, and amino acid change (where applicable). Publications were found based on this search. However, the evidence from the literature, in combination with allele frequency data from public databases where available, was not sufficient to rule this variant in or out of causing disease. Therefore, this variant is classified as a variant of unknown significance.

Genome Diagnostics Laboratory, University Medical Center Utrecht
Classification: Uncertain significance for Ataxia-telangiectasia syndrome. Last evaluated: 2016-10-04. Review status: criteria provided, single submitter. Criteria: ACGS Guidelines, 2013. Collection method: clinical testing. Allele origin: germline. Affected: yes. Study: VKGL Data-share Consensus.

Natera, Inc.
Classification: Uncertain significance for Ataxia-telangiectasia. Last evaluated: 2020-09-16. Review status: no assertion criteria provided. Collection method: clinical testing. Allele origin: germline. Not counted in ClinVar's aggregate classification.

Counsyl
Classification: Uncertain significance for Ataxia-telangiectasia syndrome. Last evaluated: 2017-01-20. Review status: no assertion criteria provided. Collection method: clinical testing. Allele origin: unknown. Not counted in ClinVar's aggregate classification.

Clinical Genetics DNA and cytogenetics Diagnostics Lab, Erasmus MC, Erasmus Medical Center
Classification: Uncertain significance. Review status: no assertion criteria provided. Collection method: clinical testing. Allele origin: germline. Affected: yes. Study: VKGL Data-share Consensus. Not counted in ClinVar's aggregate classification.

Clinical Genetics Laboratory, Department of Pathology, Netherlands Cancer Institute
Classification: Uncertain significance. Review status: no assertion criteria provided. Collection method: clinical testing. Allele origin: germline. Affected: yes. Study: VKGL Data-share Consensus. Not counted in ClinVar's aggregate classification.

Clinical Genetics, Academic Medical Center
Classification: Uncertain significance. Review status: no assertion criteria provided. Collection method: clinical testing. Allele origin: germline. Affected: yes. Study: VKGL Data-share Consensus. Not counted in ClinVar's aggregate classification.

Department of Pathology and Laboratory Medicine, Sinai Health System
Classification: Uncertain significance for Malignant tumor of breast. Review status: no assertion criteria provided. Collection method: clinical testing. Allele origin: unknown. Affected: yes. Observed: 2 variant alleles. Study: The Canadian Open Genetics Repository (COGR). Not counted in ClinVar's aggregate classification.
Comment: The ATM p.Gly301Asp variant was identified in 1 of 8224 proband chromosomes (frequency: 0.0001) from individuals or families with breast cancer and was not identified in 4798 control chromosomes from healthy individuals in a study of pooled data from seven case control studies (Tavtigian 2009). This studyâ€šÃ„Ã´s conclusion was that there is marginal evidence that the combination of ATM protein-truncating, splice site, and rare missense variants contribute to increased breast cancer risk (Tavtigian, 2009). The variant was also identified in dbSNP (ID: rs202208861) â€šÃ„ÃºWith Uncertain significance alleleâ€šÃ„Ã¹, ClinVar (last evaluated Jan 2017 and classified as uncertain significance by Invitae, Ambry Genetics and GeneDx), Clinvitae (2X), and in control databases in 15 of 276658 chromosomes at a frequency of 0.00005 (Genome Aggregation Consortium Feb 27, 2017). It was observed in the European population in 15 of 126334 chromosomes (freq: 0.0001); it was not observed in the African, Other, Latino, Ashkenazi Jewish, East Asian, Finnish, and South Asian populations. The variant was not identified in the COGR, Cosmic, MutDB, LOVD 3.0, or ATM-LOVD databases. The p.Gly301 residue is conserved across mammals and other organisms, and computational analyses (PolyPhen-2, SIFT, AlignGVGD, BLOSUM, MutationTaster) suggest that the variant may impact the protein; however, this information is not predictive enough to assume pathogenicity. The p.Gly301Asp variant occurs in the first nucleotide of the exon. This position has been shown to be part of the splicing consensus sequence and variants involving this position sometimes affect splicing. In addition, 4 of 5 in silico or computational prediction software programs (SpliceSiteFinder, MaxEntScan, NNSPLICE, GeneSplicer, HumanSpliceFinder) predict a greater than 10% difference in splicing. In summary, based on the above information the clinical significance of this variant cannot be determined with certainty at this time. This variant is classified as a variant of uncertain significance.

Diagnostic Laboratory, Department of Genetics, University Medical Center Groningen
Classification: Uncertain significance for Ataxia-telangiectasia syndrome. Review status: no assertion criteria provided. Collection method: clinical testing. Allele origin: germline. Affected: yes. Study: VKGL Data-share Consensus. Not counted in ClinVar's aggregate classification.

Joint Genome Diagnostic Labs from Nijmegen and Maastricht, Radboudumc and MUMC+
Classification: Uncertain significance. Review status: no assertion criteria provided. Collection method: clinical testing. Allele origin: germline. Affected: yes. Study: VKGL Data-share Consensus. Not counted in ClinVar's aggregate classification.

Laboratory of Diagnostic Genome Analysis, Leiden University Medical Center (LUMC)
Classification: Uncertain significance. Review status: no assertion criteria provided. Collection method: clinical testing. Allele origin: germline. Affected: yes. Study: VKGL Data-share Consensus. Not counted in ClinVar's aggregate classification.

Literature cited by the submitters: PubMed 16832357 (cited by 5 submitters); PubMed 19781682 (cited by 8 submitters); PubMed 20305132 (cited by 5 submitters); PubMed 29522266 (cited by 5 submitters); PubMed 34326862 (cited by 3 submitters); PubMed 35467778 (cited by 3 submitters); PubMed 28779002 (cited by 4 submitters); PubMed 33436325 (cited by 5 submitters); PubMed 33471991 (cited by 4 submitters); PubMed 35716007 (cited by Women's Health and Genetics/Laboratory Corporation of America, LabCorp and Quest Diagnostics Nichols Institute San Juan Capistrano); PubMed 40403485 (cited by Women's Health and Genetics/Laboratory Corporation of America, LabCorp); PubMed 25085752 (cited by Myriad Genetics, Inc.); PubMed 20346647 (cited by Quest Diagnostics Nichols Institute San Juan Capistrano); PubMed 28259476 (cited by Quest Diagnostics Nichols Institute San Juan Capistrano and Sema4).